The following is an entry in ClinVar:

NM_001252024.2(TRPM1):c.1165A>G (p.Thr389Ala)

Gene: TRPM1 (transient receptor potential cation channel subfamily M member 1; minus strand). Cytogenetic location: 15q13.3.
Variant type: single nucleotide variant.
Coding change: c.1165A>G on transcript NM_001252024.2 (MANE Select); coding-DNA position 1165, A replaced by G.
Protein change: p.Thr389Ala; replaces threonine 389 with alanine.
Molecular consequence: missense variant.
Genome position (GRCh38, 1-based): chr15:31,060,642, T>C on the plus strand (A>G on the coding strand, the complement: TRPM1 is on the minus strand). VCF-style: chr15-31060642-T-C. GRCh37 (hg19) VCF-style: chr15-31352845-T-C.
Other names: c.1216A>G, p.Thr406Ala (NM_001252020.2); c.1099A>G, p.Thr367Ala (NM_002420.6); short protein forms T367A, T406A, T389A.
Identifiers: ClinVar variation 1042745 (VCV001042745.10), dbSNP rs773431618, ClinGen allele CA7452657.
Genomic context (GRCh38, chr15:31,060,642, plus strand): 5'-CTATGTCCACGCGGTTCCAAGCCAGTGCCAAGCTCAGCTGATCTGGAGCAGATACGTTTG[T>C]TCCTGGAAAGGCAAGAAACCGGAATGATTTTTCACTCCACGCCTGGACCGCCAGGGTTTG-3'
Protein context (NP_001238953.1, residues 379-399): MAILTALLKG[Thr389Ala]NVSAPDQLSL

ClinVar aggregate classification (germline): Uncertain significance (1 of 4 stars; one submission).

Allele frequency attached by ClinVar (database versions not stated): gnomAD 0.00001; gnomAD exomes 0.00001 and 0.00010; TOPMed 0.00006; ExAC 0.00008.
gnomAD v4.1: 20 of 1,613,818 alleles (0.0012%); highest among the groups gnomAD compares: East Asian, 0.045%; no homozygotes.

Submission:

Labcorp Genetics (formerly Invitae), Labcorp
Classification: Uncertain significance. Last evaluated: 2023-02-13. Review status: criteria provided, single submitter. Criteria: Invitae Variant Classification Sherloc (09022015). Collection method: clinical testing. Allele origin: germline.
Comment: This variant is present in population databases (rs773431618, gnomAD 0.1%). In summary, the available evidence is currently insufficient to determine the role of this variant in disease. Therefore, it has been classified as a Variant of Uncertain Significance. Algorithms developed to predict the effect of missense changes on protein structure and function are either unavailable or do not agree on the potential impact of this missense change (SIFT: "Tolerated"; PolyPhen-2: "Probably Damaging"; Align-GVGD: "Class C15"). ClinVar contains an entry for this variant (Variation ID: 1042745). This variant has not been reported in the literature in individuals affected with TRPM1-related conditions. This sequence change replaces threonine, which is neutral and polar, with alanine, which is neutral and non-polar, at codon 367 of the TRPM1 protein (p.Thr367Ala).